The following is an entry in ClinVar:

ClinVar aggregate classification (germline): Conflicting classifications of pathogenicity. Review status: criteria provided, conflicting classifications (1 of 4 stars). 5 submissions from 5 submitters: Likely pathogenic (2); Uncertain significance (2). 1 of the submissions does not count toward it. Last evaluated 2024-06-11.

Conditions:
Fucosidosis. Also called: ALPHA-L-FUCOSIDASE DEFICIENCY. Identifiers: Orphanet 349, MedGen C0016788, MONDO:0009254, OMIM 230000.

gnomAD v4.1: 4 of 1,614,102 alleles (0.00025%); highest among the groups gnomAD compares: Non-Finnish European, 0.00034%; no homozygotes.

Submissions (5):

Women's Health and Genetics/Laboratory Corporation of America, LabCorp
Classification: Uncertain significance. Last evaluated: 2024-06-11. Review status: criteria provided, single submitter. Criteria: LabCorp Variant Classification Summary - May 2015. Collection method: clinical testing. Allele origin: germline.
Comment: Variant summary: FUCA1 c.422G>T (p.Gly141Val) results in a non-conservative amino acid change in the encoded protein sequence. Five of five in-silico tools predict a damaging effect of the variant on protein function. The variant allele was found at a frequency of 4e-06 in 251490 control chromosomes. c.422G>T has been reported in the literature in at-least one individual affected with Fucosidosis (example: Mahdieh_2021). These data indicate that the variant may be associated with disease. To our knowledge, no experimental evidence demonstrating an impact on protein function has been reported. The following publication havs been ascertained in the context of this evaluation (PMID: 33547378). ClinVar contains an entry for this variant (Variation ID: 488520). Based on the evidence outlined above, the variant was classified as VUS-possibly pathogenic.

GeneDx
Classification: Uncertain significance. Last evaluated: 2024-05-15. Review status: criteria provided, single submitter. Criteria: GeneDx Variant Classification Process June 2021. Collection method: clinical testing. Allele origin: germline. Affected: yes.
Comment: Not observed at significant frequency in large population cohorts (gnomAD); In silico analysis supports that this missense variant has a deleterious effect on protein structure/function; This variant is associated with the following publications: (PMID: 33547378)

Rajaie Cardiovascular, Medical and Research Center, Iran University of Medical Sciences
Classification: Likely pathogenic for Fucosidosis. Last evaluated: 2019-07-05. Review status: criteria provided, single submitter. Criteria: ACMG Guidelines, 2015. Collection method: research. Allele origin: inherited. Inheritance: Autosomal recessive inheritance. Affected: yes.

Institute of Human Genetics Munich, TUM University Hospital
Classification: Likely pathogenic for Fucosidosis. Last evaluated: 2017-11-08. Review status: criteria provided, single submitter. Criteria: Classification criteria August 2017. Collection method: clinical testing. Allele origin: germline. Inheritance: Autosomal recessive inheritance. Affected: yes. Observed: 1 compound heterozygote.

Myelin Disorders Clinic-Children's Medical Center/Medical Genetics Lab-Tarbiat Modares University, Children's Medical Center, Pediatrics Center of Excellence,
Classification: Uncertain significance for Fucosidosis. Review status: no assertion criteria provided. Collection method: clinical testing. Allele origin: inherited. Inheritance: Autosomal recessive inheritance. Affected: yes. Not counted in ClinVar's aggregate classification.

Literature cited by the submitters: PubMed 33547378 (cited by Women's Health and Genetics/Laboratory Corporation of America, LabCorp).

NM_000147.5(FUCA1):c.422G>T (p.Gly141Val)

Genes: FUCA1 (alpha-L-fucosidase 1; minus strand), LOC126805661 (BRD4-independent group 4 enhancer GRCh37_chr1:24191742-24192941; plus strand). Cytogenetic location: 1p36.11.
Variant type: single nucleotide variant.
Coding change: c.422G>T on transcript NM_000147.5 (MANE Select); coding-DNA position 422, G replaced by T.
Protein change: p.Gly141Val; replaces glycine 141 with valine.
Molecular consequence: missense variant.
Genome position (GRCh38, 1-based): chr1:23,865,593, C>A on the plus strand (G>T on the coding strand, the complement: FUCA1 is on the minus strand). VCF-style: chr1-23865593-C-A. GRCh37 (hg19) VCF-style: chr1-24192083-C-A.
Other names: short protein forms G141V.
Identifiers: ClinVar variation 488520 (VCV000488520.8), dbSNP rs753232669, ClinGen allele CA686548.